The following is an entry in ClinVar:

ClinVar aggregate classification (germline): Conflicting classifications of pathogenicity. Review status: criteria provided, conflicting classifications (1 of 4 stars). 2 submissions from 2 submitters: Pathogenic (1); Uncertain significance (1). Last evaluated 2025-01-10.

Conditions:
MPDU1-congenital disorder of glycosylation. Also called: CONGENITAL DISORDER OF GLYCOSYLATION, TYPE If; CDG If; MPDU1-CDG. Identifiers: Orphanet 79323, MedGen C1836669, MONDO:0012211, OMIM 609180.

Allele frequency attached by ClinVar (database versions not stated): 1000 Genomes Project 0.00020; 1000 Genomes Project 30x 0.00031; gnomAD 0.00001; TOPMed 0.00001; gnomAD exomes 0.00002; ExAC 0.00002.
gnomAD v4.1: 14 of 1,612,814 alleles (0.00087%); highest among the groups gnomAD compares: African/African-American, 0.0027%; no homozygotes.

Submissions (2):

Institute of Human Genetics, University of Leipzig Medical Center
Classification: Pathogenic for MPDU1-congenital disorder of glycosylation. Last evaluated: 2025-01-10. Review status: criteria provided, single submitter. Criteria: ACMG Guidelines, 2015. Collection method: clinical testing. Allele origin: paternal. Inheritance: Autosomal recessive inheritance. Affected: yes.
Comment: Criteria applied: PM2,PVS1(RNA); r.[302_303ins303-36_303-1;302_303ins303-15_303-1] p.[(Ser101Argfs*9;Trp103*)]

Labcorp Genetics (formerly Invitae), Labcorp
Classification: Uncertain significance for MPDU1-congenital disorder of glycosylation. Last evaluated: 2024-10-15. Review status: criteria provided, single submitter. Criteria: Invitae Variant Classification Sherloc (09022015). Collection method: clinical testing. Allele origin: germline.
Comment: This sequence change falls in intron 3 of the MPDU1 gene. It does not directly change the encoded amino acid sequence of the MPDU1 protein. This variant is present in population databases (rs566030367, gnomAD 0.004%). This variant has not been reported in the literature in individuals affected with MPDU1-related conditions. ClinVar contains an entry for this variant (Variation ID: 1347327). Algorithms developed to predict the effect of sequence changes on RNA splicing suggest that this variant may disrupt the consensus splice site. In summary, the available evidence is currently insufficient to determine the role of this variant in disease. Therefore, it has been classified as a Variant of Uncertain Significance.

NM_004870.4(MPDU1):c.303-16A>G

Gene: MPDU1 (mannose-P-dolichol utilization defect 1; plus strand). Cytogenetic location: 17p13.1.
Variant type: single nucleotide variant.
Coding change: c.303-16A>G on transcript NM_004870.4 (MANE Select); 16 bases into the intron before coding-DNA position 303, A replaced by G.
Molecular consequence: intron variant.
Genome position (GRCh38, 1-based): chr17:7,586,676, A>G. VCF-style: chr17-7586676-A-G. GRCh37 (hg19) VCF-style: chr17-7489994-A-G.
Other names: c.303-16A>G (NM_001330073.1).
Identifiers: ClinVar variation 1347327 (VCV001347327.7), dbSNP rs566030367, ClinGen allele CA8352904.